The following is an entry in ClinVar:

ClinVar aggregate classification (germline): Uncertain significance (1 of 4 stars; one submission).

Conditions:
Mycobacterium tuberculosis, susceptibility to. Identifiers: MedGen C1834752, OMIM 607948.
Hepatic veno-occlusive disease-immunodeficiency syndrome. Also called: Hepatic Veno-Occlusive Disease with Immunodeficiency. Identifiers: Orphanet 79124, MedGen C1856128, MONDO:0009338, OMIM 235550. Disease mechanism: loss of function.

Submission:

Center for Genomics, Ann and Robert H. Lurie Children's Hospital of Chicago
Classification: Uncertain significance for Hepatic veno-occlusive disease-immunodeficiency syndrome; Mycobacterium tuberculosis, susceptibility to. Review status: criteria provided, single submitter. Criteria: ACMG Guidelines, 2015. Collection method: clinical testing. Allele origin: germline.
Comment: SP110 NM_004509.3 exon 5 p.Ser215Ile (c.644G>T): This variant has not been reported in the literature and is not present in large control databases. Evolutionary conservation and computational predictive tools suggest that this variant may not impact the protein. Although this variant occurs in the exonic region, splice prediction tools suggest that this variant may affect splicing. However, further studies are needed to understand its impact. In summary, data on this variant is insufficient for disease classification. Therefore, the clinical significance of this variant is uncertain.

NM_080424.4(SP110):c.644G>T (p.Ser215Ile)

Genes: SP110 (SP110 nuclear body protein; minus strand), SP140 (SP140 nuclear body protein; plus strand). Cytogenetic location: 2q37.1.
Variant type: single nucleotide variant.
Coding change: c.644G>T on transcript NM_080424.4 (MANE Select); coding-DNA position 644, G replaced by T.
Protein change: p.Ser215Ile; replaces serine 215 with isoleucine.
Molecular consequence: missense variant.
Genome position (GRCh38, 1-based): chr2:230,212,370, C>A on the plus strand (G>T on the coding strand, the complement: SP110 is on the minus strand). VCF-style: chr2-230212370-C-A. GRCh37 (hg19) VCF-style: chr2-231077085-C-A.
Other names: c.662G>T, p.Ser221Ile (NM_001185015.2, NM_001378442.1, NM_001378444.1 and 2 more transcripts); c.644G>T, p.Ser215Ile (NM_001378443.1, NM_001378447.1, NM_004509.5 and 1 more transcripts); short protein forms S215I, S221I.
Identifiers: ClinVar variation 1675136 (VCV001675136.2), dbSNP rs2148922803, ClinGen allele CA350915699.
Genomic context (GRCh38, chr2:230,212,370, plus strand): 5'-CCTTGAGCTAAGCGGTATCAGCCCCAGTCAGTGTTACCTTGCACAGTGCTAGTGAGGAGG[C>A]TGGGCATCTCTTCTGAGTCTTCTTCCGCATTCATTTTGGATGTTAACTTGTCATTGGTCA-3'
Protein context (NP_536349.3, residues 205-225): NAEEDSEEMP[Ser215Ile]LLTSTVQVAS